The following is an entry in ClinVar:

NM_021971.4(GMPPB):c.1018G>A (p.Gly340Arg)

Gene: GMPPB (GDP-mannose pyrophosphorylase B; minus strand). Cytogenetic location: 3p21.31.
Variant type: single nucleotide variant.
Coding change: c.1018G>A on transcript NM_021971.4 (MANE Select); coding-DNA position 1018, G replaced by A.
Protein change: p.Gly340Arg; replaces glycine 340 with arginine.
Molecular consequence: missense variant.
Genome position (GRCh38, 1-based): chr3:49,721,817, C>T on the plus strand (G>A on the coding strand, the complement: GMPPB is on the minus strand). VCF-style: chr3-49721817-C-T. GRCh37 (hg19) VCF-style: chr3-49759250-C-T.
Other names: c.1099G>A, p.Gly367Arg (NM_013334.4); short protein forms G367R, G340R.
Identifiers: ClinVar variation 424164 (VCV000424164.3), dbSNP rs1064796834, ClinGen allele CA16617993.

ClinVar aggregate classification (germline): Conflicting classifications of pathogenicity. Review status: criteria provided, conflicting classifications (1 of 4 stars). 2 submissions from 2 submitters: Likely pathogenic (1); Uncertain significance (1). Last evaluated 2026-01-08.

Allele frequency attached by ClinVar (database versions not stated): gnomAD exomes below 0.00001; gnomAD 0.00001.
gnomAD v4.1: 8 of 1,613,130 alleles (0.0005%); highest among the groups gnomAD compares: South Asian, 0.0011%; no homozygotes.

Submissions (2):

Dasa
Classification: Likely pathogenic. Last evaluated: 2026-01-08. Review status: criteria provided, single submitter. Criteria: DASA Assertion Criteria. Collection method: clinical testing. Allele origin: germline.
Comment: NM_021971.4(GMPPB):c.1018G>A (p.Gly340Arg) is a missense variant that results in the substitution of glycine with arginine. Functional evidence supports a deleterious effect on the gene or gene product (PMID: 28433477). This variant has been reported in individuals with related phenotype (PMID: 28433477). Multiple computational predictions support a deleterious effect on the gene or gene product. The variant is present at low frequency in population datasets. Based on the available data, this variant is classified as likely pathogenic.

GeneDx
Classification: Uncertain significance. Last evaluated: 2017-03-07. Review status: criteria provided, single submitter. Criteria: GeneDx Variant Classification (06012015). Collection method: clinical testing. Allele origin: germline. Affected: yes.
Comment: The G367R variant has not been published as a pathogenic variant, nor has it been reported as a benign variant to our knowledge. The G367R variant is not observed in large population cohorts (Lek et al., 2016; 1000 Genomes Consortium et al., 2015; Exome Variant Server). The G367R variant is a non-conservative amino acid substitution, which is likely to impact secondary protein structure as these residues differ in polarity, charge, size and/or other properties. This substitution occurs at a position that is conserved across species, and in silico analysis predicts this variant is probably damaging to the protein structure/function. Based on the currently available information, it is unclear whether this variant is a pathogenic variant or a rare benign variant.

Literature cited by the submitters: PubMed 28433477 (cited by Dasa).